The following is an entry in ClinVar:

ClinVar aggregate classification (germline): Benign/Likely benign. Review status: criteria provided, multiple submitters, no conflicts (2 of 4 stars). 9 submissions from 9 submitters: Benign (5); Likely benign (1). 3 of the submissions do not count toward it. Last evaluated 2026-02-03.

Conditions:
Cardiovascular phenotype. Identifiers: MedGen CN230736.
Primary dilated cardiomyopathy (DCM). Also called: Dilated Cardiomyopathy. Identifiers: Orphanet 217604, MedGen C0007193, MeSH D002311, MONDO:0005021, HP:0001644. Inheritance: Various modes of inheritance.
Hypertrophic cardiomyopathy. Also called: HYPERTROPHIC MYOCARDIOPATHY. Identifiers: Orphanet 217569, MedGen C0007194, MeSH D002312, MONDO:0005045, HP:0001639.

Allele frequency attached by ClinVar (database versions not stated): gnomAD exomes 0.02427 and 0.01744; ExAC 0.01721; 1000 Genomes Project 0.00559; TOPMed 0.01412; ESP Exome Variant Server 0.01476; 1000 Genomes Project 30x 0.00515; gnomAD 0.01785 and 0.01871.
gnomAD v4.1: 37,781 of 1,612,954 alleles (2.3%); highest among the groups gnomAD compares: Non-Finnish European, 2.7%; 587 homozygotes.

Submissions (9):

Labcorp Genetics (formerly Invitae), Labcorp
Classification: Benign for Hypertrophic cardiomyopathy; Primary dilated cardiomyopathy. Last evaluated: 2026-02-03. Review status: criteria provided, single submitter. Criteria: Invitae Variant Classification Sherloc (09022015). Collection method: clinical testing. Allele origin: germline.

Women's Health and Genetics/Laboratory Corporation of America, LabCorp
Classification: Likely benign. Last evaluated: 2023-07-29. Review status: criteria provided, single submitter. Criteria: LabCorp Variant Classification Summary - May 2015. Collection method: clinical testing. Allele origin: germline.

Laboratory for Molecular Medicine, Mass General Brigham Personalized Medicine
Classification: Benign. Last evaluated: 2015-01-13. Review status: criteria provided, single submitter. Criteria: LMM Criteria. Collection method: clinical testing. Allele origin: germline. Observed: 15 variant alleles.
Comment: p.Thr245Ile in exon 6 of PDLIM3: This variant is not expected to have clinical s ignificance because it has been identified in 2.1% (181/8600) of European Americ an chromosomes from a broad population by the NHLBI Exome Sequencing Project (dbSNP rs62347360).

GeneDx
Classification: Benign. Last evaluated: 2014-07-09. Review status: criteria provided, single submitter. Criteria: GeneDx Variant Classification (06012015). Collection method: clinical testing. Allele origin: germline. Affected: yes.
Comment: This variant is considered likely benign or benign based on one or more of the following criteria: it is a conservative change, it occurs at a poorly conserved position in the protein, it is predicted to be benign by multiple in silico algorithms, and/or has population frequency not consistent with disease.

Ambry Genetics
Classification: Benign for Cardiovascular phenotype. Last evaluated: 2013-01-17. Review status: criteria provided, single submitter. Criteria: Ambry Autosomal Dominant and X-Linked criteria (10/2015). Collection method: clinical testing. Allele origin: germline. Observed: 1 variant allele.
Comment: General population or subpopulation frequency is too high to be a pathogenic mutation based on disease/syndrome prevalence and penetrance

Breakthrough Genomics
Classification: Benign. Review status: criteria provided, single submitter. Criteria: ACMG Guidelines, 2015. Collection method: not provided. Allele origin: germline. Inheritance: Unknown mechanism. Affected: yes.

Leiden Muscular Dystrophy (PDLIM3)
No classification provided. Last evaluated: 2012-04-20. Review status: no classification provided. Collection method: curation. Allele origin: germline. Not counted in ClinVar's aggregate classification.

Genome Diagnostics Laboratory, University Medical Center Utrecht
Classification: Likely benign. Review status: no assertion criteria provided. Collection method: clinical testing. Allele origin: germline. Affected: yes. Study: VKGL Data-share Consensus. Not counted in ClinVar's aggregate classification.

Joint Genome Diagnostic Labs from Nijmegen and Maastricht, Radboudumc and MUMC+
Classification: Benign. Review status: no assertion criteria provided. Collection method: clinical testing. Allele origin: germline. Affected: yes. Study: VKGL Data-share Consensus. Not counted in ClinVar's aggregate classification.

NM_014476.6(PDLIM3):c.734C>T (p.Thr245Ile)

Gene: PDLIM3 (PDZ and LIM domain 3; minus strand). Cytogenetic location: 4q35.1.
Variant type: single nucleotide variant.
Coding change: c.734C>T on transcript NM_014476.6 (MANE Select); coding-DNA position 734, C replaced by T.
Protein change: p.Thr245Ile; replaces threonine 245 with isoleucine.
Molecular consequence: missense variant. On other transcripts: non-coding transcript variant (1).
Genome position (GRCh38, 1-based): chr4:185,506,581, G>A on the plus strand (C>T on the coding strand, the complement: PDLIM3 is on the minus strand). VCF-style: chr4-185506581-G-A. GRCh37 (hg19) VCF-style: chr4-186427735-G-A.
Other names: p.T245I:ACA>ATA; c.590C>T, p.Thr197Ile (NM_001114107.5); c.470C>T, p.Thr157Ile (NM_001257962.2); c.233C>T, p.Thr78Ile (NM_001257963.2); short protein forms T245I, T78I, T197I, T157I.
Identifiers: ClinVar variation 31839 (VCV000031839.23), dbSNP rs62347360, ClinGen allele CA215390.
Genomic context (GRCh38, chr4:185,506,581, plus strand): 5'-CCAGAGCCATCGTCCACCATTCCCTGGAGCACTCTGAAGGAGCCCGACTGGCGAGGCTGT[G>A]TGGGCTCATTCCGATTGTCGTGGAGCATCCGGTACACGTCCGACTCGGGGGGCACCGAGG-3'
Protein context (NP_055291.2, residues 235-255): RMLHDNRNEP[Thr245Ile]QPRQSGSFRV